The following is an entry in ClinVar:

NM_206933.4(USH2A):c.2296T>A (p.Cys766Ser)

Gene: USH2A (usherin; minus strand). Cytogenetic location: 1q41.
Variant type: single nucleotide variant.
Coding change: c.2296T>A on transcript NM_206933.4 (MANE Select); coding-DNA position 2296, T replaced by A.
Protein change: p.Cys766Ser; replaces cysteine 766 with serine.
Molecular consequence: missense variant.
Genome position (GRCh38, 1-based): chr1:216,247,098, A>T on the plus strand (T>A on the coding strand, the complement: USH2A is on the minus strand). VCF-style: chr1-216247098-A-T. GRCh37 (hg19) VCF-style: chr1-216420440-A-T.
Other names: c.2296T>A, p.Cys766Ser (NM_007123.6); short protein forms C766S.
Identifiers: ClinVar variation 1967547 (VCV001967547.5), dbSNP rs368687374, ClinGen allele CA344865207.

ClinVar aggregate classification (germline): Likely pathogenic (1 of 4 stars; one submission).

Submission:

Labcorp Genetics (formerly Invitae), Labcorp
Classification: Likely pathogenic. Last evaluated: 2023-09-21. Review status: criteria provided, single submitter. Criteria: Invitae Variant Classification Sherloc (09022015). Collection method: clinical testing. Allele origin: germline.
Comment: This sequence change replaces cysteine, which is neutral and slightly polar, with serine, which is neutral and polar, at codon 766 of the USH2A protein (p.Cys766Ser). This variant is not present in population databases (gnomAD no frequency). This variant has not been reported in the literature in individuals affected with USH2A-related conditions. ClinVar contains an entry for this variant (Variation ID: 1967547). Advanced modeling of protein sequence and biophysical properties (such as structural, functional, and spatial information, amino acid conservation, physicochemical variation, residue mobility, and thermodynamic stability) performed at Invitae indicates that this missense variant is expected to disrupt USH2A protein function. This variant disrupts the p.Cys766 amino acid residue in USH2A. Other variant(s) that disrupt this residue have been determined to be pathogenic (PMID: 23591405, 25404053, 26927203, 30924848). This suggests that this residue is clinically significant, and that variants that disrupt this residue are likely to be disease-causing. In summary, the currently available evidence indicates that the variant is pathogenic, but additional data are needed to prove that conclusively. Therefore, this variant has been classified as Likely Pathogenic.

Literature cited by the submitters: PubMed 23591405; PubMed 25404053; PubMed 26927203; PubMed 30924848.